The following is an entry in ClinVar:

NM_001127222.2(CACNA1A):c.3822C>T (p.Asn1274=)

Gene: CACNA1A (calcium voltage-gated channel subunit alpha1 A; minus strand). Cytogenetic location: 19p13.13.
Variant type: single nucleotide variant.
Coding change: c.3822C>T on transcript NM_001127222.2 (MANE Select); coding-DNA position 3822, C replaced by T.
Protein change: p.Asn1274=; no amino-acid change (asparagine 1274 retained).
Molecular consequence: synonymous variant.
Genome position (GRCh38, 1-based): chr19:13,283,267, G>A on the plus strand (C>T on the coding strand, the complement: CACNA1A is on the minus strand). VCF-style: chr19-13283267-G-A. GRCh37 (hg19) VCF-style: chr19-13394081-G-A.
Other names: c.3834C>T, p.Asn1278= (NM_000068.4, NM_023035.3); c.3825C>T, p.Asn1275= (NM_001127221.2, NM_001174080.2).
Identifiers: ClinVar variation 384147 (VCV000384147.13), dbSNP rs201230929, ClinGen allele CA9240192.

ClinVar aggregate classification (germline): Conflicting classifications of pathogenicity. Review status: criteria provided, conflicting classifications (1 of 4 stars). 4 submissions from 4 submitters: Uncertain significance (1); Benign (1); Likely benign (2). Last evaluated 2025-10-29.

Conditions:
Episodic ataxia type 2 (EA2). Also called: ATAXIA, EPISODIC, WITH NYSTAGMUS; ATAXIA, FAMILIAL PAROXYSMAL; CEREBELLAR ATAXIA, PAROXYSMAL, ACETAZOLAMIDE-RESPONSIVE; CEREBELLOPATHY, HEREDITARY PAROXYSMAL; EPISODIC ATAXIA, NYSTAGMUS-ASSOCIATED; ACETAZOLAMIDE-RESPONSIVE HEREDITARY PAROXYSMAL CEREBELLAR ATAXIA. Identifiers: Orphanet 97, MedGen C1720416, MONDO:0007163, OMIM 108500.
Developmental and epileptic encephalopathy, 42 (DEE42A). Also called: Epileptic encephalopathy, early infantile, 42; DEVELOPMENTAL AND EPILEPTIC ENCEPHALOPATHY 42A; EPILEPTIC ENCEPHALOPATHY, EARLY INFANTILE, 42A. Identifiers: MedGen C4310716, MONDO:0014917, OMIM 617106.
Inborn genetic diseases. Identifiers: MedGen C0950123, MeSH D030342.

Allele frequency attached by ClinVar (database versions not stated): gnomAD exomes 0.00003 and 0.00006; ExAC 0.00005; gnomAD 0.00019 and 0.00021; TOPMed 0.00023; ESP Exome Variant Server 0.00039.
gnomAD v4.1: 76 of 1,613,638 alleles (0.0047%); highest among the groups gnomAD compares: African/African-American, 0.077%; no homozygotes.

Submissions (4):

Labcorp Genetics (formerly Invitae), Labcorp
Classification: Uncertain significance for Developmental and epileptic encephalopathy, 42; Episodic ataxia type 2. Last evaluated: 2025-10-29. Review status: criteria provided, single submitter. Criteria: Invitae Variant Classification Sherloc (09022015). Collection method: clinical testing. Allele origin: germline.
Comment: This sequence change affects codon 1275 of the CACNA1A mRNA. It is a 'silent' change, meaning that it does not change the encoded amino acid sequence of the CACNA1A protein. It affects a nucleotide within the consensus splice site. This variant is present in population databases (rs201230929, gnomAD 0.07%), and has an allele count higher than expected for a pathogenic variant. This variant has not been reported in the literature in individuals affected with CACNA1A-related conditions. ClinVar contains an entry for this variant (Variation ID: 384147). Algorithms developed to predict the effect of sequence changes on RNA splicing suggest that this variant is not likely to affect RNA splicing. In summary, the available evidence is currently insufficient to determine the role of this variant in disease. Therefore, it has been classified as a Variant of Uncertain Significance.

Ambry Genetics
Classification: Likely benign for Inborn genetic diseases. Last evaluated: 2025-02-18. Review status: criteria provided, single submitter. Criteria: Ambry Variant Classification Scheme 2023. Collection method: clinical testing. Allele origin: germline.

GeneDx
Classification: Likely benign. Last evaluated: 2020-09-17. Review status: criteria provided, single submitter. Criteria: GeneDx Variant Classification Process June 2021. Collection method: clinical testing. Allele origin: germline. Affected: yes.

Athena Diagnostics
Classification: Benign. Last evaluated: 2018-02-13. Review status: criteria provided, single submitter. Criteria: Athena Diagnostics Criteria. Collection method: clinical testing. Allele origin: germline.